The following is an entry in ClinVar:

NM_014324.6(AMACR):c.184G>T (p.Gly62Ter)

Genes: AMACR (alpha-methylacyl-CoA racemase; minus strand), C1QTNF3-AMACR (C1QTNF3-AMACR readthrough (NMD candidate); minus strand). Cytogenetic location: 5p13.2.
Variant type: single nucleotide variant.
Coding change: c.184G>T on transcript NM_014324.6 (MANE Select); coding-DNA position 184, G replaced by T.
Protein change: p.Gly62Ter; replaces glycine 62 with a stop codon.
Molecular consequence: nonsense.
Genome position (GRCh38, 1-based): chr5:34,007,836, C>A on the plus strand (G>T on the coding strand, the complement: AMACR is on the minus strand). VCF-style: chr5-34007836-C-A. GRCh37 (hg19) VCF-style: chr5-34007941-C-A.
Other names: c.184G>T, p.Gly62Ter (NM_001167595.2, NM_203382.3); short protein forms G62*.
Identifiers: ClinVar variation 1481363 (VCV001481363.6), dbSNP rs891858540, ClinGen allele CA359385106.
Genomic context (GRCh38, chr5:34,007,836, plus strand): 5'-GGCGGAAGGGCTCCAGCAGCACATCCGACCGCTTGCACAGACGCCGCAGCACGGCGGCTC[C>A]CCGCGGCTGCTTCAGGTCCAGCACTAGCGAGCGCTTGCCCCGGCCCAAGCGGCTCACGTC-3'

ClinVar aggregate classification (germline): Uncertain significance (1 of 4 stars; one submission).

Conditions:
Alpha-methylacyl-CoA racemase deficiency (AMACRD). Also called: AMACR deficiency. Identifiers: Orphanet 79095, MedGen C3280428, MONDO:0013681, OMIM 614307. Disease mechanism: loss of function.

Submission:

Labcorp Genetics (formerly Invitae), Labcorp
Classification: Uncertain significance for Alpha-methylacyl-CoA racemase deficiency. Last evaluated: 2021-04-20. Review status: criteria provided, single submitter. Criteria: Invitae Variant Classification Sherloc (09022015). Collection method: clinical testing. Allele origin: germline.
Comment: In summary, the available evidence is currently insufficient to determine the role of this variant in disease. Therefore, it has been classified as a Variant of Uncertain Significance. Algorithms developed to predict the effect of sequence changes on RNA splicing suggest that this variant may create or strengthen a splice site, but this prediction has not been confirmed by published transcriptional studies. This variant has not been reported in the literature in individuals with AMACR-related conditions. The frequency data for this variant in the population databases is considered unreliable, as metrics indicate insufficient coverage at this position in the ExAC database. This sequence change creates a premature translational stop signal (p.Gly62*) in the AMACR gene. It is expected to result in an absent or disrupted protein product. However, the current clinical and genetic evidence is not sufficient to establish whether loss-of-function variants in AMACR cause disease.